The following is an entry in ClinVar:

NM_001458.5(FLNC):c.7319T>C (p.Ile2440Thr)

Genes: FLNC (filamin C; plus strand), FLNC-AS1 (FLNC antisense RNA 1; minus strand). Cytogenetic location: 7q32.1.
Variant type: single nucleotide variant.
Coding change: c.7319T>C on transcript NM_001458.5 (MANE Select); coding-DNA position 7319, T replaced by C.
Protein change: p.Ile2440Thr; replaces isoleucine 2440 with threonine.
Molecular consequence: missense variant.
Genome position (GRCh38, 1-based): chr7:128,856,585, T>C. VCF-style: chr7-128856585-T-C. GRCh37 (hg19) VCF-style: chr7-128496639-T-C.
Other names: c.7220T>C, p.Ile2407Thr (NM_001127487.2); short protein forms I2440T, I2407T.
Identifiers: ClinVar variation 539387 (VCV000539387.15), dbSNP rs764628080, ClinGen allele CA4476234.
Genomic context (GRCh38, chr7:128,856,585, plus strand): 5'-GGCTCAAGGTGAACCAGCCAGCGTCCTTTGCCGTGCAGCTGAACGGTGCCCGGGGCGTGA[T>C]TGATGCCCGGGTGCACACACCCTCGGGGGCTGTGGAGGAGTGCTACGTCTCTGAGCTGGA-3'
Protein context (NP_001449.3, residues 2430-2450): AVQLNGARGV[Ile2440Thr]DARVHTPSGA

ClinVar aggregate classification (germline): Uncertain significance. Review status: criteria provided, multiple submitters, no conflicts (2 of 4 stars). 4 submissions from 4 submitters: Uncertain significance (4). Last evaluated 2025-12-21.

Conditions:
Hypertrophic cardiomyopathy 26. Also called: Cardiomyopathy, familial hypertrophic, 26. Identifiers: Orphanet 75249, MedGen C4310749, MONDO:0014883, OMIM 617047.
Myofibrillar myopathy 5. Also called: Filaminopathy (type); FILAMINOPATHY, AUTOSOMAL DOMINANT. Identifiers: Orphanet 171445, MedGen C1836050, MONDO:0012289, OMIM 609524.
Distal myopathy with posterior leg and anterior hand involvement. Also called: WILLIAMS DISTAL MYOPATHY. Identifiers: Orphanet 63273, MedGen C3279722, MONDO:0013550, OMIM 614065.
Cardiovascular phenotype. Identifiers: MedGen CN230736.
Cardiomyopathy (CMYO). Also called: Cardiomyopathies. Identifiers: Orphanet 167848, MedGen C0878544, MONDO:0004994, HP:0001638. Inheritance: Various modes of inheritance.

Allele frequency attached by ClinVar (database versions not stated): gnomAD exomes below 0.00001 and 0.00001; TOPMed below 0.00001; ExAC 0.00001.
gnomAD v4.1: 11 of 1,612,844 alleles (0.00068%); highest among the groups gnomAD compares: Middle Eastern, 0.016%; no homozygotes.

Submissions (4):

Ambry Genetics
Classification: Uncertain significance for Cardiovascular phenotype. Last evaluated: 2025-12-21. Review status: criteria provided, single submitter. Criteria: Ambry Variant Classification Scheme 2023. Collection method: clinical testing. Allele origin: germline.
Comment: The p.I2440T variant (also known as c.7319T>C), located in coding exon 44 of the FLNC gene, results from a T to C substitution at nucleotide position 7319. The isoleucine at codon 2440 is replaced by threonine, an amino acid with similar properties. This amino acid position is conserved. In addition, this alteration is predicted to be deleterious by in silico analysis. Based on the available evidence, the clinical significance of this variant remains unclear.

Labcorp Genetics (formerly Invitae), Labcorp
Classification: Uncertain significance for Distal myopathy with posterior leg and anterior hand involvement; Myofibrillar myopathy 5; Hypertrophic cardiomyopathy 26. Last evaluated: 2025-10-08. Review status: criteria provided, single submitter. Criteria: Invitae Variant Classification Sherloc (09022015). Collection method: clinical testing. Allele origin: germline.
Comment: This sequence change replaces isoleucine, which is neutral and non-polar, with threonine, which is neutral and polar, at codon 2440 of the FLNC protein (p.Ile2440Thr). This variant is present in population databases (rs764628080, gnomAD 0.003%). This variant has not been reported in the literature in individuals affected with FLNC-related conditions. ClinVar contains an entry for this variant (Variation ID: 539387). Invitae Evidence Modeling of protein sequence and biophysical properties (such as structural, functional, and spatial information, amino acid conservation, physicochemical variation, residue mobility, and thermodynamic stability) indicates that this missense variant is not expected to disrupt FLNC protein function with a negative predictive value of 80%. In summary, the available evidence is currently insufficient to determine the role of this variant in disease. Therefore, it has been classified as a Variant of Uncertain Significance.

Victorian Clinical Genetics Services, Murdoch Childrens Research Institute
Classification: Uncertain significance for Cardiomyopathy. Last evaluated: 2023-07-17. Review status: criteria provided, single submitter. Criteria: ACMG Guidelines, 2015. Collection method: clinical testing. Allele origin: germline. Inheritance: Autosomal dominant inheritance. Affected: yes.
Comment: Based on the classification scheme VCGS_Germline_v1.3.4, this variant is classified as VUS-3B. Following criteria are met: 0103 - Loss of function and gain of function are known mechanisms of disease in this gene. Loss of function is the established mechanism of disease for variants in dilated cardiomyopathy (PMID: 32112656), familial hypertrophic cardiomyopathy 26 (MIM#617047), familial restrictive cardiomyopathy 5 (MIM#617047) and myofibrillar myopathy 5 (MIM#609524), and recently has been associated with arrhythmogenic right ventricular cardiomyopathy (MONDO#0016587; PMID: 31627847). In distal myopathy 4 (MIM#614065), NMD-predicted variants cause a loss of function, however missense variants have been shown to result in a toxic gain of function (PMID: 32112656). (I) 0107 - This gene is associated with autosomal dominant disease. Variants located throughout the gene that are predicted to result in nonsense-mediated decay (NMD) are enriched in dilated cardiomyopathy, whereas missense variants in the ROD2 domain are enriched in familial hypertrophic cardiomyopathy 26 and familial restrictive cardiomyopathy 5 (MIM#617047). Additionally, myofibrillar myopathy 5 (MIM#609524) is known to result from either missense variants in the ROD2 domain or truncating variants in the Ig-like domain 24, while missense variants in the actin-binding domain and NMD-predicted variants located in the Ig-like domain 15 and have been reported for distal myopathy 4 (MIM#614065) (PMID: 32112656). (I) 0115 - Variants in this gene are known to have variable expressivity. These variants are associated with arrhythmogenic right ventricular cardiomyopathy (PMID: 31627847). (I) 0200 - Variant is predicted to result in a missense amino acid change from isoleucine to threonine. (I) 0251 - This variant is heterozygous. (I) 0302 - Variant is present in gnomAD (v2) <0.001 for a dominant condition (1 heterozygote, 0 homozygotes). (SP) 0309 - An alternative amino acid change at the same position has been observed in gnomAD (v2) (1 heterozygote, 0 homozygotes). (I) 0501 - Missense variant consistently predicted to be damaging by multiple in silico tools or highly conserved with a major amino acid change. (SP) 0600 - Variant is located in the annotated filamin 22 region within ROD2 domain (UniProt, PMID: 32112656). (I) 0710 - Another missense variant comparable to the one identified in this case has inconclusive previous evidence for pathogenicity. p.(Ile2440Phe) has been reported as a VUS by a clinical testing laboratory (ClinVar). (I) 0809 - Previous evidence of pathogenicity for this variant is inconclusive. It has been reported as a VUS by two clinical testing laboratories for two individuals with hypertrophic cardiomyopathy, one individual with possible CPVT or ARVC, and as compound heterzoygous in a proband with autism and weakness who has a heterozygous asymptomatic parent (ClinVar, personal communication). (I) 0905 - No published segregation evidence has been identified for this variant. (I) 1007 - No published functional evidence has been identified for this variant. (I) 1208 - Inheritance information for this variant is not currently available in this individual. (I) Legend: (SP) - Supporting pathogenic, (I) - Information, (SB) - Supporting benign

GeneDx
Classification: Uncertain significance. Last evaluated: 2021-02-10. Review status: criteria provided, single submitter. Criteria: GeneDx Variant Classification Process June 2021. Collection method: clinical testing. Allele origin: germline. Affected: yes.
Comment: Not observed at a significant frequency in large population cohorts (Lek et al., 2016); In silico analysis supports that this missense variant has a deleterious effect on protein structure/function; Has not been previously published as pathogenic or benign to our knowledge

Literature cited by the submitters: PubMed 31627847 (cited by Victorian Clinical Genetics Services, Murdoch Childrens Research Institute); PubMed 32112656 (cited by Victorian Clinical Genetics Services, Murdoch Childrens Research Institute).